The following is an entry in ClinVar:

NM_001348768.2(HECW2):c.3661C>T (p.Arg1221Ter)

Gene: HECW2 (HECT, C2 and WW domain containing E3 ubiquitin protein ligase 2; minus strand). Cytogenetic location: 2q32.3.
Variant type: single nucleotide variant.
Coding change: c.3661C>T on transcript NM_001348768.2 (MANE Select); coding-DNA position 3661, C replaced by T.
Protein change: p.Arg1221Ter; replaces arginine 1221 with a stop codon.
Molecular consequence: nonsense.
Genome position (GRCh38, 1-based): chr2:196,240,552, G>A on the plus strand (C>T on the coding strand, the complement: HECW2 is on the minus strand). VCF-style: chr2-196240552-G-A. GRCh37 (hg19) VCF-style: chr2-197105276-G-A.
Other names: c.2593C>T, p.Arg865Ter (NM_001304840.3); c.3661C>T, p.Arg1221Ter (NM_020760.4); short protein forms R1221*, R865*.
Identifiers: ClinVar variation 4056558 (VCV004056558.1).
Genomic context (GRCh38, chr2:196,240,552, plus strand): 5'-GGTCTTTTCTGGAGTAGCCCATAATCTGATTAAAAGCATCTTCTAGTAAGTGATCTCTTC[G>A]GATAATTAACCTGTCCATAAAGAGACAATTTAGAAAATACAAATTATTACTATACTATTA-3'

ClinVar aggregate classification (germline): Uncertain significance (1 of 4 stars; one submission).

Conditions:
Neurodevelopmental disorder with hypotonia, seizures, and absent language (NDHSAL). Identifiers: MedGen C4310643, MONDO:0014995, OMIM 617268.

gnomAD v4.1: 5 of 1,604,406 alleles (0.00031%); highest among the groups gnomAD compares: South Asian, 0.0011%; no homozygotes.

Submission:

Laboratorio de Genetica e Diagnostico Molecular, Hospital Israelita Albert Einstein
Classification: Uncertain significance for Neurodevelopmental disorder with hypotonia, seizures, and absent language. Last evaluated: 2024-08-16. Review status: criteria provided, single submitter. Criteria: ACMG Guidelines, 2015. Collection method: clinical testing. Allele origin: germline. Affected: yes.
Comment: ACMG classification criteria: PM2 supporting